The following is an entry in ClinVar:

ClinVar aggregate classification (germline): Uncertain significance. Review status: criteria provided, multiple submitters, no conflicts (2 of 4 stars). 2 submissions from 2 submitters: Uncertain significance (2). Last evaluated 2026-07-07.

Conditions:
Inborn genetic diseases. Identifiers: MedGen C0950123, MeSH D030342.
Deafness-lymphedema-leukemia syndrome. Also called: Lymphedema, primary, with myelodysplasia; Emberger syndrome. Identifiers: Orphanet 3226, MedGen C3279664, MONDO:0013540, OMIM 614038.
Monocytopenia with susceptibility to infections. Also called: MONOCYTOPENIA AND MYCOBACTERIAL INFECTION SYNDROME; MONOCYTOPENIA WITH SUSCEPTIBILITY TO MYCOBACTERIAL, FUNGAL, AND PAPILLOMAVIRUS INFECTIONS AND MYELODYSPLASIA; COMBINED IMMUNODEFICIENCY WITH SUSCEPTIBILITY TO MYCOBACTERIAL, VIRAL, AND FUNGAL INFECTIONS; Dendritic cell, monocyte, B lymphocyte, and natural killer lymphocyte deficiency; IMMUNODEFICIENCY 21; GATA2 DEFICIENCY. Identifiers: Orphanet 228423, MedGen C3280030, MONDO:0013607, OMIM 614172.

Submissions (2):

Ambry Genetics
Classification: Uncertain significance for Inborn genetic diseases. Last evaluated: 2026-07-07. Review status: criteria provided, single submitter. Criteria: Ambry Variant Classification Scheme 2023. Collection method: clinical testing. Allele origin: germline.
Comment: The p.A68V variant (also known as c.203C>T), located in coding exon 1 of the GATA2 gene, results from a C to T substitution at nucleotide position 203. The alanine at codon 68 is replaced by valine, an amino acid with similar properties. This amino acid position is conserved. In addition, this alteration is predicted to be deleterious by in silico analysis. Based on the available evidence, the clinical significance of this variant remains unclear.

Labcorp Genetics (formerly Invitae), Labcorp
Classification: Uncertain significance for Monocytopenia with susceptibility to infections; Deafness-lymphedema-leukemia syndrome. Last evaluated: 2023-08-25. Review status: criteria provided, single submitter. Criteria: Invitae Variant Classification Sherloc (09022015). Collection method: clinical testing. Allele origin: germline.
Comment: This variant has not been reported in the literature in individuals affected with GATA2-related conditions. In summary, the available evidence is currently insufficient to determine the role of this variant in disease. Therefore, it has been classified as a Variant of Uncertain Significance. Advanced modeling of protein sequence and biophysical properties (such as structural, functional, and spatial information, amino acid conservation, physicochemical variation, residue mobility, and thermodynamic stability) performed at Invitae indicates that this missense variant is not expected to disrupt GATA2 protein function. ClinVar contains an entry for this variant (Variation ID: 2159667). This variant is not present in population databases (gnomAD no frequency). This sequence change replaces alanine, which is neutral and non-polar, with valine, which is neutral and non-polar, at codon 68 of the GATA2 protein (p.Ala68Val).

NM_032638.5(GATA2):c.203C>T (p.Ala68Val)

Gene: GATA2 (GATA binding protein 2; minus strand). Cytogenetic location: 3q21.3.
Variant type: single nucleotide variant.
Coding change: c.203C>T on transcript NM_032638.5 (MANE Select); coding-DNA position 203, C replaced by T.
Protein change: p.Ala68Val; replaces alanine 68 with valine.
Molecular consequence: missense variant.
Genome position (GRCh38, 1-based): chr3:128,486,829, G>A on the plus strand (C>T on the coding strand, the complement: GATA2 is on the minus strand). VCF-style: chr3-128486829-G-A. GRCh37 (hg19) VCF-style: chr3-128205672-G-A.
Other names: c.203C>T, p.Ala68Val (NM_001145661.2, NM_001145662.1); short protein forms A68V.
Identifiers: ClinVar variation 2159667 (VCV002159667.5), dbSNP rs1172408774, ClinGen allele CA354408296.